The following is an entry in ClinVar:

NM_002291.3(LAMB1):c.3947-3T>C

Gene: LAMB1 (laminin subunit beta 1; minus strand). Cytogenetic location: 7q31.1.
Variant type: single nucleotide variant.
Coding change: c.3947-3T>C on transcript NM_002291.3 (MANE Select); 3 bases into the intron before coding-DNA position 3947, T replaced by C.
Molecular consequence: intron variant.
Genome position (GRCh38, 1-based): chr7:107,935,659, A>G on the plus strand (T>C on the coding strand, the complement: LAMB1 is on the minus strand). VCF-style: chr7-107935659-A-G. GRCh37 (hg19) VCF-style: chr7-107576104-A-G.
Other names: c.3947-3T>C (NM_002291.2).
Identifiers: ClinVar variation 2707424 (VCV002707424.4), dbSNP rs777762517, ClinGen allele CA4435180.

ClinVar aggregate classification (germline): Uncertain significance. Review status: criteria provided, single submitter (1 of 4 stars). 2 submissions from 2 submitters: Uncertain significance (1). 1 of the submissions does not count toward it. Last evaluated 2024-10-30.

Conditions:
LAMB1-related disorder. Also called: LAMB1-related condition.

Allele frequency attached by ClinVar (database versions not stated): ExAC 0.00002; gnomAD exomes 0.00002; TOPMed 0.00019; gnomAD 0.00020.
gnomAD v4.1: 55 of 1,613,286 alleles (0.0034%); highest among the groups gnomAD compares: African/African-American, 0.071%; no homozygotes.

Submissions (2):

Labcorp Genetics (formerly Invitae), Labcorp
Classification: Uncertain significance. Last evaluated: 2024-10-30. Review status: criteria provided, single submitter. Criteria: Invitae Variant Classification Sherloc (09022015). Collection method: clinical testing. Allele origin: germline.
Comment: This sequence change falls in intron 26 of the LAMB1 gene. It does not directly change the encoded amino acid sequence of the LAMB1 protein. It affects a nucleotide within the consensus splice site. This variant is present in population databases (rs777762517, gnomAD 0.07%). This variant has not been reported in the literature in individuals affected with LAMB1-related conditions. ClinVar contains an entry for this variant (Variation ID: 2707424). Variants that disrupt the consensus splice site are a relatively common cause of aberrant splicing (PMID: 17576681, 9536098). Algorithms developed to predict the effect of sequence changes on RNA splicing suggest that this variant is not likely to affect RNA splicing. In summary, the available evidence is currently insufficient to determine the role of this variant in disease. Therefore, it has been classified as a Variant of Uncertain Significance.

PreventionGenetics, part of Exact Sciences
Classification: Likely benign for LAMB1-related condition. Last evaluated: 2019-08-21. Review status: no assertion criteria provided. Collection method: clinical testing. Allele origin: germline. Not counted in ClinVar's aggregate classification.
Comment: This variant is classified as likely benign based on ACMG/AMP sequence variant interpretation guidelines (Richards et al. 2015 PMID: 25741868, with internal and published modifications).

Literature cited by the submitters: PubMed 17576681 (cited by Labcorp Genetics (formerly Invitae), Labcorp); PubMed 9536098 (cited by Labcorp Genetics (formerly Invitae), Labcorp).